The following is an entry in ClinVar:

NM_001365276.2(TNXB):c.7377C>T (p.Gly2459=)

Gene: TNXB (tenascin XB; minus strand). Cytogenetic location: 6p21.33.
Variant type: single nucleotide variant.
Coding change: c.7377C>T on transcript NM_001365276.2 (MANE Select); coding-DNA position 7377, C replaced by T.
Protein change: p.Gly2459=; no amino-acid change (glycine 2459 retained).
Molecular consequence: synonymous variant.
Genome position (GRCh38, 1-based): chr6:32,061,512, G>A on the plus strand (C>T on the coding strand, the complement: TNXB is on the minus strand). VCF-style: chr6-32061512-G-A. GRCh37 (hg19) VCF-style: chr6-32029289-G-A.
Other names: NC_000006.11:g.32029289G>A; p.Gly2459=; c.7377C>T, p.Gly2459= (NM_019105.8).
Identifiers: ClinVar variation 261158 (VCV000261158.12), dbSNP rs59619270, ClinGen allele CA3734172.

ClinVar aggregate classification (germline): Benign. Review status: criteria provided, multiple submitters, no conflicts (2 of 4 stars). 7 submissions from 7 submitters: Benign (7). Last evaluated 2026-01-31.

Conditions:
Cardiovascular phenotype. Identifiers: MedGen CN230736.
Ehlers-Danlos syndrome (EDS). Identifiers: Orphanet 98249, MedGen C0013720, MONDO:0020066.

Allele frequency attached by ClinVar (database versions not stated): gnomAD exomes 0.00231 and 0.00606; ExAC 0.00697; gnomAD 0.02324 and 0.02517; ESP Exome Variant Server 0.02583; TOPMed 0.02708; 1000 Genomes Project 0.02815; 1000 Genomes Project 30x 0.02904.
gnomAD v4.1: 7,153 of 1,613,460 alleles (0.44%); highest among the groups gnomAD compares: African/African-American, 8%; 283 homozygotes.

Submissions (15):

Labcorp Genetics (formerly Invitae), Labcorp
Classification: Benign. Last evaluated: 2026-01-31. Review status: criteria provided, single submitter. Criteria: Invitae Variant Classification Sherloc (09022015). Collection method: clinical testing. Allele origin: germline.

Women's Health and Genetics/Laboratory Corporation of America, LabCorp
Classification: Benign. Last evaluated: 2026-01-29. Review status: criteria provided, single submitter. Criteria: LabCorp Variant Classification Summary - May 2015. Collection method: clinical testing. Allele origin: germline.
Comment: Variant summary: TNXB c.7377C>T results in a synonymous change. Several computational tools predict a significant impact on normal splicing: Five predict the variant creates a 5' donor site. However, these predictions have yet to be confirmed by functional studies. The variant allele was found at a frequency of 0.0061 in 248104 control chromosomes in the gnomAD database, including 74 homozygotes. The observed variant frequency exceeds the estimated maximal expected allele frequency for disease-causing variants in TNXB. To our knowledge, no occurrence of c.7377C>T in individuals affected with TNXB-related conditions and no experimental evidence demonstrating its impact on protein function have been reported. ClinVar contains an entry for this variant (Variation ID: 261158). Based on the evidence outlined above, the variant was classified as benign.

Mayo Clinic Laboratories, Mayo Clinic
Classification: Benign. Last evaluated: 2023-02-06. Review status: criteria provided, single submitter. Criteria: ACMG Guidelines, 2015. Collection method: clinical testing. Allele origin: germline. Observed: 23 variant alleles.

Genome Diagnostics Laboratory, The Hospital for Sick Children
Classification: Benign for Ehlers-Danlos syndrome. Last evaluated: 2022-03-15. Review status: criteria provided, single submitter. Criteria: ACMG Guidelines, 2015. Collection method: clinical testing. Allele origin: germline.

Ambry Genetics
Classification: Benign for Cardiovascular phenotype. Last evaluated: 2019-04-23. Review status: criteria provided, single submitter. Criteria: Ambry Variant Classification Scheme 2023. Collection method: clinical testing. Allele origin: germline.

GeneDx
Classification: Benign. Last evaluated: 2018-07-09. Review status: criteria provided, single submitter. Criteria: GeneDx Variant Classification Process June 2021. Collection method: clinical testing. Allele origin: germline. Affected: yes.

PreventionGenetics, part of Exact Sciences
Classification: Benign. Review status: criteria provided, single submitter. Criteria: ACMG Guidelines, 2015. Collection method: clinical testing. Allele origin: germline.

Dr. Peter K. Rogan Lab, Western University
No classification provided (evidence only). Condition: Clear cell carcinoma of kidney. Review status: no classification provided. Collection method: in vitro. Allele origin: not applicable. Functional consequence: retained intron. Not counted in ClinVar's aggregate classification.

Dr. Peter K. Rogan Lab, Western University
No classification provided (evidence only). Condition: Lung cancer. Review status: no classification provided. Collection method: in vitro. Allele origin: not applicable. Functional consequence: retained intron. Not counted in ClinVar's aggregate classification.

Dr. Peter K. Rogan Lab, Western University
No classification provided (evidence only). Condition: Lung cancer. Review status: no classification provided. Collection method: in vitro. Allele origin: not applicable. Functional consequence: retained intron. Not counted in ClinVar's aggregate classification.

Dr. Peter K. Rogan Lab, Western University
No classification provided (evidence only). Condition: Cervical cancer. Review status: no classification provided. Collection method: in vitro. Allele origin: not applicable. Functional consequence: retained intron. Not counted in ClinVar's aggregate classification.

Dr. Peter K. Rogan Lab, Western University
No classification provided (evidence only). Condition: Sarcoma. Review status: no classification provided. Collection method: in vitro. Allele origin: not applicable. Functional consequence: retained intron. Not counted in ClinVar's aggregate classification.

Dr. Peter K. Rogan Lab, Western University
No classification provided (evidence only). Condition: Sarcoma. Review status: no classification provided. Collection method: in vitro. Allele origin: not applicable. Functional consequence: skipped exon, retained intron. Not counted in ClinVar's aggregate classification.

Dr. Peter K. Rogan Lab, Western University
No classification provided (evidence only). Condition: Ovarian serous cystadenocarcinoma. Review status: no classification provided. Collection method: in vitro. Allele origin: not applicable. Functional consequence: retained intron. Not counted in ClinVar's aggregate classification.

Dr. Peter K. Rogan Lab, Western University
No classification provided (evidence only). Condition: Ovarian serous cystadenocarcinoma. Review status: no classification provided. Collection method: in vitro. Allele origin: not applicable. Functional consequence: retained intron. Not counted in ClinVar's aggregate classification.